The following is an entry in ClinVar:

ClinVar aggregate classification (germline): Benign/Likely benign. Review status: criteria provided, multiple submitters, no conflicts (2 of 4 stars). 4 submissions from 4 submitters: Benign (2); Likely benign (2). Last evaluated 2025-12-24.

Allele frequency attached by ClinVar (database versions not stated): 1000 Genomes Project 30x 0.00078; 1000 Genomes Project 0.00080; ExAC 0.00134; gnomAD 0.00138; gnomAD exomes 0.00141; TOPMed 0.00158; ESP Exome Variant Server 0.00248.
gnomAD v4.1: 4,209 of 1,614,010 alleles (0.26%); highest among the groups gnomAD compares: Non-Finnish European, 0.33%; 10 homozygotes.

Submissions (4):

Labcorp Genetics (formerly Invitae), Labcorp
Classification: Benign. Last evaluated: 2025-12-24. Review status: criteria provided, single submitter. Criteria: Invitae Variant Classification Sherloc (09022015). Collection method: clinical testing. Allele origin: germline.

Blueprint Genetics
Classification: Likely benign. Last evaluated: 2024-11-25. Review status: criteria provided, single submitter. Criteria: ACMG Guidelines, 2015. Collection method: clinical testing. Allele origin: germline.

CeGaT Center for Human Genetics Tuebingen
Classification: Likely benign. Last evaluated: 2024-10-01. Review status: criteria provided, single submitter. Criteria: CeGaT Center For Human Genetics Tuebingen Variant Classification Criteria Version 2. Collection method: clinical testing. Allele origin: germline. Affected: yes. Observed: 2 variant alleles.
Comment: FAT1: BP4, BP7

Breakthrough Genomics
Classification: Benign. Review status: criteria provided, single submitter. Criteria: ACMG Guidelines, 2015. Collection method: not provided. Allele origin: germline. Inheritance: Unknown mechanism. Affected: yes.

NM_005245.4(FAT1):c.5646A>G (p.Pro1882=)

Gene: FAT1 (FAT atypical cadherin 1; minus strand). Cytogenetic location: 4q35.2.
Variant type: single nucleotide variant.
Coding change: c.5646A>G on transcript NM_005245.4 (MANE Select); coding-DNA position 5646, A replaced by G.
Protein change: p.Pro1882=; no amino-acid change (proline 1882 retained).
Molecular consequence: synonymous variant.
Genome position (GRCh38, 1-based): chr4:186,620,940, T>C on the plus strand (A>G on the coding strand, the complement: FAT1 is on the minus strand). VCF-style: chr4-186620940-T-C. GRCh37 (hg19) VCF-style: chr4-187542094-T-C.
Identifiers: ClinVar variation 1547457 (VCV001547457.32), dbSNP rs116471329, ClinGen allele CA3166417.